The following is an entry in ClinVar:

ClinVar aggregate classification (germline): Uncertain significance. Review status: criteria provided, multiple submitters, no conflicts (2 of 4 stars). 2 submissions from 2 submitters: Uncertain significance (2). Last evaluated 2026-09-01.

Allele frequency attached by ClinVar (database versions not stated): TOPMed below 0.00001; gnomAD 0.00001; ExAC 0.00002; gnomAD exomes 0.00002.
gnomAD v4.1: 10 of 1,578,468 alleles (0.00063%); highest among the groups gnomAD compares: Admixed American, 0.0075%; no homozygotes.

Submissions (2):

CeGaT Center for Human Genetics Tuebingen
Classification: Uncertain significance. Last evaluated: 2026-09-01. Review status: criteria provided, single submitter. Criteria: CeGaT Center For Human Genetics Tuebingen Variant Classification Criteria Version 2. Collection method: clinical testing. Allele origin: germline. Affected: yes. Observed: 1 variant allele.

Labcorp Genetics (formerly Invitae), Labcorp
Classification: Uncertain significance. Last evaluated: 2022-08-10. Review status: criteria provided, single submitter. Criteria: Invitae Variant Classification Sherloc (09022015). Collection method: clinical testing. Allele origin: germline.
Comment: In summary, the available evidence is currently insufficient to determine the role of this variant in disease. Therefore, it has been classified as a Variant of Uncertain Significance. Algorithms developed to predict the effect of missense changes on protein structure and function are either unavailable or do not agree on the potential impact of this missense change (SIFT: "Deleterious"; PolyPhen-2: "Benign"; Align-GVGD: "Class C0"). ClinVar contains an entry for this variant (Variation ID: 1462487). This variant has not been reported in the literature in individuals affected with MTOR-related conditions. This variant is present in population databases (rs767105252, gnomAD 0.01%). This sequence change replaces arginine, which is basic and polar, with glutamine, which is neutral and polar, at codon 587 of the MTOR protein (p.Arg587Gln).

NM_004958.4(MTOR):c.1760G>A (p.Arg587Gln)

Gene: MTOR (mechanistic target of rapamycin kinase; minus strand). Cytogenetic location: 1p36.22.
Variant type: single nucleotide variant.
Coding change: c.1760G>A on transcript NM_004958.4 (MANE Select); coding-DNA position 1760, G replaced by A.
Protein change: p.Arg587Gln; replaces arginine 587 with glutamine.
Molecular consequence: missense variant.
Genome position (GRCh38, 1-based): chr1:11,240,329, C>T on the plus strand (G>A on the coding strand, the complement: MTOR is on the minus strand). VCF-style: chr1-11240329-C-T. GRCh37 (hg19) VCF-style: chr1-11300386-C-T.
Other names: c.1760G>A, p.Arg587Gln (NM_001386500.1); c.512G>A, p.Arg171Gln (NM_001386501.1); short protein forms R171Q, R587Q.
Identifiers: ClinVar variation 1462487 (VCV001462487.7), dbSNP rs767105252, ClinGen allele CA590654.